The following is an entry in ClinVar:

ClinVar aggregate classification (germline): Uncertain significance (1 of 4 stars; one submission).

Submission:

Ambry Genetics
Classification: Uncertain significance. Last evaluated: 2026-07-26. Review status: criteria provided, single submitter. Criteria: Ambry Variant Classification Scheme 2023. Collection method: clinical testing. Allele origin: germline.
Comment: The p.D327G variant (also known as c.980A>G), located in coding exon 3 of the WNK2 gene, results from an A to G substitution at nucleotide position 980. The aspartic acid at codon 327 is replaced by glycine, an amino acid with similar properties. This amino acid position is conserved. In addition, the in silico prediction for this alteration is inconclusive. Based on the available evidence, the clinical significance of this variant remains unclear.

NM_006648.4(WNK2):c.980A>G (p.Asp327Gly)

Gene: WNK2 (WNK lysine deficient protein kinase 2; plus strand). Cytogenetic location: 9q22.31.
Variant type: single nucleotide variant.
Coding change: c.980A>G on transcript NM_006648.4 (MANE Select); coding-DNA position 980, A replaced by G.
Protein change: p.Asp327Gly; replaces aspartic acid 327 with glycine.
Molecular consequence: missense variant.
Genome position (GRCh38, 1-based): chr9:93,231,013, A>G. VCF-style: chr9-93231013-A-G. GRCh37 (hg19) VCF-style: chr9-95993295-A-G.
Other names: c.980A>G, p.Asp327Gly (NM_001282394.3); short protein forms D327G.
Identifiers: ClinVar variation 5031881 (VCV005031881.1).
Genomic context (GRCh38, chr9:93,231,013, plus strand): 5'-AGGGCCTGCTGTTCCTGCACACAAGGACGCCACCCATCATCCACCGAGACCTGAAATGTG[A>G]CAATATTTTCATCACCGGACCAACTGGGTCTGTGAAGATTGGCGACTTGGGCCTGGCCAC-3'
Protein context (NP_006639.3, residues 317-337): PPIIHRDLKC[Asp327Gly]NIFITGPTGS